The following is an entry in ClinVar:

NC_000009.11:g.(?_34458984)_(36277059_?)dup

Genes: CCL27 (C-C motif chemokine ligand 27; minus strand), CD72 (CD72 molecule; minus strand), PHF24 (PHD finger protein 24; plus strand), RUSC2 (RUN and SH3 domain containing 2; plus strand), SIGMAR1 (sigma receptor chaperone 1; minus strand) and 45 more. Cytogenetic location: 9p13.3.
Variant type: Duplication.
Identifiers: ClinVar variation 584345 (VCV000584345.1).

ClinVar aggregate classification (germline): Uncertain significance (1 of 4 stars; one submission).

Conditions:
Autosomal recessive distal spinal muscular atrophy 2. Also called: NEURONOPATHY, DISTAL HEREDITARY MOTOR, JERASH TYPE; NEUROPATHY, DISTAL HEREDITARY MOTOR, JERASH TYPE; SPINAL MUSCULAR ATROPHY, JERASH TYPE; NEUROPATHY, DISTAL HEREDITARY MOTOR, AUTOSOMAL RECESSIVE 2; Hereditary motor neuropathy, Jerash type; Motor neuropathy, distal, Jerash type. Identifiers: Orphanet 139552, MedGen C1854023, MONDO:0011585, OMIM 605726.
Amyotrophic lateral sclerosis type 16. Also called: AMYOTROPHIC LATERAL SCLEROSIS 16, JUVENILE. Identifiers: Orphanet 300605, MedGen C3280587, MONDO:0013715, OMIM 614373.

Submission:

Labcorp Genetics (formerly Invitae), Labcorp
Classification: Uncertain significance for Distal spinal muscular atrophy, autosomal recessive 2; Amyotrophic lateral sclerosis 16, juvenile. Last evaluated: 2018-06-18. Review status: criteria provided, single submitter. Criteria: Invitae Variant Classification Sherloc (09022015). Collection method: clinical testing. Allele origin: germline.
Comment: This variant results in a copy number gain of the genomic region encompassing the full coding sequence of the SIGMAR1 gene. The boundaries of this event are unknown as they extend beyond the assayed region for this gene and therefore may encompass additional genes. As the precise location of this event is unknown, it may be in tandem or it may be located elsewhere in the genome. This variant has not been reported in the literature in individuals with SIGMAR1-related disease. In summary, the available evidence is currently insufficient to determine the role of this variant in disease. Therefore, it has been classified as a Variant of Uncertain Significance.